The following is an entry in ClinVar:

ClinVar aggregate classification (germline): Uncertain significance (1 of 4 stars; one submission).

Conditions:
Epilepsy. Also called: Seizure disorder. Identifiers: MedGen C0014544, MeSH D004827, MONDO:0005027.

Submission:

Labcorp Genetics (formerly Invitae), Labcorp
Classification: Uncertain significance for Epilepsy. Last evaluated: 2021-01-22. Review status: criteria provided, single submitter. Criteria: Invitae Variant Classification Sherloc (09022015). Collection method: clinical testing. Allele origin: germline.
Comment: In summary, the available evidence is currently insufficient to determine the role of this variant in disease. Therefore, it has been classified as a Variant of Uncertain Significance. Algorithms developed to predict the effect of missense changes on protein structure and function output the following: SIFT: "Tolerated"; PolyPhen-2: "Benign"; Align-GVGD: "Class C0". The phenylalanine amino acid residue is found in multiple mammalian species, suggesting that this missense change does not adversely affect protein function. These predictions have not been confirmed by published functional studies and their clinical significance is uncertain. This variant has not been reported in the literature in individuals with PIGQ-related conditions. This variant is not present in population databases (ExAC no frequency). This sequence change replaces leucine with phenylalanine at codon 388 of the PIGQ protein (p.Leu388Phe). The leucine residue is moderately conserved and there is a small physicochemical difference between leucine and phenylalanine.

NM_004204.5(PIGQ):c.1162C>T (p.Leu388Phe)

Gene: PIGQ (phosphatidylinositol glycan anchor biosynthesis class Q; plus strand). Cytogenetic location: 16p13.3.
Variant type: single nucleotide variant.
Coding change: c.1162C>T on transcript NM_004204.5 (MANE Select); coding-DNA position 1162, C replaced by T.
Protein change: p.Leu388Phe; replaces leucine 388 with phenylalanine.
Molecular consequence: missense variant.
Genome position (GRCh38, 1-based): chr16:578,877, C>T. VCF-style: chr16-578877-C-T. GRCh37 (hg19) VCF-style: chr16-628877-C-T.
Other names: c.1162C>T, p.Leu388Phe (NM_148920.4); short protein forms L388F.
Identifiers: ClinVar variation 1061446 (VCV001061446.9), dbSNP rs2151047356, ClinGen allele CA394057104.